The following is an entry in ClinVar:

ClinVar aggregate classification (germline): Likely benign (1 of 4 stars; one submission).

Allele frequency attached by ClinVar (database versions not stated): 1000 Genomes Project 0.00100; 1000 Genomes Project 30x 0.00109; gnomAD 0.00138; TOPMed 0.00146; ESP Exome Variant Server 0.00154; ExAC 0.00251; gnomAD exomes 0.00264.
gnomAD v4.1: 3,965 of 1,569,722 alleles (0.25%); highest among the groups gnomAD compares: Non-Finnish European, 0.32%; 3 homozygotes.

Submission:

CeGaT Center for Human Genetics Tuebingen
Classification: Likely benign. Last evaluated: 2022-05-01. Review status: criteria provided, single submitter. Criteria: CeGaT Center For Human Genetics Tuebingen Variant Classification Criteria Version 2. Collection method: clinical testing. Allele origin: germline. Affected: yes. Observed: 1 variant allele.
Comment: CRELD2: BP4, BP7

NM_024324.5(CRELD2):c.621G>A (p.Ser207=)

Gene: CRELD2 (CRELD disulfide isomerase 2; plus strand). Cytogenetic location: 22q13.33.
Variant type: single nucleotide variant.
Coding change: c.621G>A on transcript NM_024324.5 (MANE Select); coding-DNA position 621, G replaced by A.
Protein change: p.Ser207=; no amino-acid change (serine 207 retained).
Molecular consequence: synonymous variant. On other transcripts: non-coding transcript variant (1).
Genome position (GRCh38, 1-based): chr22:49,922,640, G>A. VCF-style: chr22-49922640-G-A. GRCh37 (hg19) VCF-style: chr22-50316288-G-A.
Other names: c.768G>A, p.Ser256= (NM_001135101.3); c.621G>A, p.Ser207= (NM_001284317.2, NM_001284318.2).
Identifiers: ClinVar variation 2653354 (VCV002653354.24), dbSNP rs138811682, ClinGen allele CA10301092.
Genomic context (GRCh38, chr22:49,922,640, plus strand): 5'-GGTTTGTACCCAGGCCCGCCTTTGCCTTCCAGCCTGTGACGAGTCCTGCAAGACGTGCTC[G>A]GGCCTGACCAACAGAGACTGCGGCGAGTGTGAAGTGGGCTGGGTGCTGGACGAGGGCGCC-3'
Protein context (NP_077300.3, residues 197-217): TACDESCKTC[Ser207=]GLTNRDCGEC